The following is an entry in ClinVar:

ClinVar aggregate classification (germline): Likely benign (1 of 4 stars; one submission).

Allele frequency attached by ClinVar (database versions not stated): TOPMed 0.00678; gnomAD 0.00732; 1000 Genomes Project 30x 0.00312; 1000 Genomes Project 0.00339.
gnomAD v4.1: 1,052 of 152,226 alleles (0.69%); highest among the groups gnomAD compares: Non-Finnish European, 1.1%; 8 homozygotes.

Submission:

GeneDx
Classification: Likely benign. Last evaluated: 2018-06-19. Review status: criteria provided, single submitter. Criteria: GeneDx Variant Classification (06012015). Collection method: clinical testing. Allele origin: germline. Affected: yes.
Comment: This variant is considered likely benign or benign based on one or more of the following criteria: it is a conservative change, it occurs at a poorly conserved position in the protein, it is predicted to be benign by multiple in silico algorithms, and/or has population frequency not consistent with disease.

NM_001018005.2(TPM1):c.375-311C>T

Gene: TPM1 (tropomyosin 1; plus strand). Cytogenetic location: 15q22.2.
Variant type: single nucleotide variant.
Coding change: c.375-311C>T on transcript NM_001018005.2 (MANE Select); 311 bases into the intron before coding-DNA position 375, C replaced by T.
Molecular consequence: intron variant.
Genome position (GRCh38, 1-based): chr15:63,059,252, C>T. VCF-style: chr15-63059252-C-T. GRCh37 (hg19) VCF-style: chr15-63351451-C-T.
Other names: c.267-311C>T (NM_001330346.2, NM_001365780.1, NM_001330351.2 and 5 more transcripts); c.501-311C>T (NM_001365778.1); c.375-311C>T (NM_001018020.2, NM_001018007.2, NM_001018006.2 and 6 more transcripts).
Identifiers: ClinVar variation 684021 (VCV000684021.1), dbSNP rs78809927, ClinGen allele CA272032437.
Genomic context (GRCh38, chr15:63,059,252, plus strand): 5'-TCCCACAGGAAAGGCAAGAAATCTCATTATCTTTTTAATAGTAAAGCATATTGGCTTTTC[C>T]GGTTTCATACTGCCAAGATTCAGACAGATTCCTGACGTGGTACCTTTCGTCATCATTAAT-3'